The following is an entry in ClinVar:

NM_015065.3(EXPH5):c.2653C>T (p.Pro885Ser)

Gene: EXPH5 (exophilin 5; minus strand). Cytogenetic location: 11q22.3.
Variant type: single nucleotide variant.
Coding change: c.2653C>T on transcript NM_015065.3 (MANE Select); coding-DNA position 2653, C replaced by T.
Protein change: p.Pro885Ser; replaces proline 885 with serine.
Molecular consequence: missense variant.
Genome position (GRCh38, 1-based): chr11:108,512,854, G>A on the plus strand (C>T on the coding strand, the complement: EXPH5 is on the minus strand). VCF-style: chr11-108512854-G-A. GRCh37 (hg19) VCF-style: chr11-108383581-G-A.
Other names: c.2425C>T, p.Pro809Ser (NM_001144763.2); c.2185C>T, p.Pro729Ser (NM_001144764.2); c.2089C>T, p.Pro697Ser (NM_001144765.2); c.2632C>T, p.Pro878Ser (NM_001308019.2); c.2653C>T (NM_015065.2); short protein forms P878S, P885S, P697S, P729S, P809S.
Identifiers: ClinVar variation 1414859 (VCV001414859.7), dbSNP rs771423787, ClinGen allele CA6267832.

ClinVar aggregate classification (germline): Uncertain significance. Review status: criteria provided, multiple submitters, no conflicts (2 of 4 stars). 2 submissions from 2 submitters: Uncertain significance (2). Last evaluated 2025-12-16.

Conditions:
Inborn genetic diseases. Identifiers: MedGen C0950123, MeSH D030342.

Allele frequency attached by ClinVar (database versions not stated): TOPMed below 0.00001; gnomAD 0.00001; gnomAD exomes 0.00001; ExAC 0.00002.
gnomAD v4.1: 4 of 1,614,020 alleles (0.00025%); highest among the groups gnomAD compares: Admixed American, 0.0017%; no homozygotes.

Submissions (2):

Ambry Genetics
Classification: Uncertain significance for Inborn genetic diseases. Last evaluated: 2025-12-16. Review status: criteria provided, single submitter. Criteria: Ambry Variant Classification Scheme 2023. Collection method: clinical testing. Allele origin: germline.

Labcorp Genetics (formerly Invitae), Labcorp
Classification: Uncertain significance. Last evaluated: 2022-09-06. Review status: criteria provided, single submitter. Criteria: Invitae Variant Classification Sherloc (09022015). Collection method: clinical testing. Allele origin: germline.
Comment: ClinVar contains an entry for this variant (Variation ID: 1414859). In summary, the available evidence is currently insufficient to determine the role of this variant in disease. Therefore, it has been classified as a Variant of Uncertain Significance. Algorithms developed to predict the effect of missense changes on protein structure and function are either unavailable or do not agree on the potential impact of this missense change (SIFT: "Tolerated"; PolyPhen-2: "Possibly Damaging"; Align-GVGD: "Class C0"). This variant has not been reported in the literature in individuals affected with EXPH5-related conditions. This variant is present in population databases (rs771423787, gnomAD 0.003%). This sequence change replaces proline, which is neutral and non-polar, with serine, which is neutral and polar, at codon 885 of the EXPH5 protein (p.Pro885Ser).